The following is an entry in ClinVar:

ClinVar aggregate classification (germline): Conflicting classifications of pathogenicity. Review status: criteria provided, conflicting classifications (1 of 4 stars). 10 submissions from 10 submitters: Uncertain significance (2); Benign (2); Likely benign (6). Last evaluated 2026-01-28.

Conditions:
Vici syndrome (VICIS). Identifiers: Orphanet 1493, MedGen C1855772, MONDO:0009452, OMIM 242840.
EPG5-related disorder. Also called: EPG5-related condition. Identifiers: MedGen CN381528.
Intellectual disability. Also called: Intellectual functioning disability; intellectual disabilities; Intellectual developmental disorder. Identifiers: MedGen C3714756, MeSH D008607, MONDO:0001071, HP:0001249.
Inborn genetic diseases. Identifiers: MedGen C0950123, MeSH D030342.

Allele frequency attached by ClinVar (database versions not stated): gnomAD exomes 0.00026 and 0.00056; ExAC 0.00056; ESP Exome Variant Server 0.00194; gnomAD 0.00235 and 0.00245; 1000 Genomes Project 0.00240; 1000 Genomes Project 30x 0.00265; TOPMed 0.00278.

Submissions (10):

Labcorp Genetics (formerly Invitae), Labcorp
Classification: Likely benign for Vici syndrome. Last evaluated: 2026-01-28. Review status: criteria provided, single submitter. Criteria: Invitae Variant Classification Sherloc (09022015). Collection method: clinical testing. Allele origin: germline.

Women's Health and Genetics/Laboratory Corporation of America, LabCorp
Classification: Likely benign. Last evaluated: 2026-01-27. Review status: criteria provided, single submitter. Criteria: LabCorp Variant Classification Summary - May 2015. Collection method: clinical testing. Allele origin: germline.
Comment: Variant summary: EPG5 c.2998A>G (p.Met1000Val) results in a conservative amino acid change in the encoded protein sequence. Algorithms developed to predict the effect of missense changes on protein structure and function are either unavailable or do not agree on the potential impact of this missense change. The variant allele was found at a frequency of 0.00056 in 249570 control chromosomes, predominantly at a frequency of 0.0084 within the African or African-American subpopulation in the gnomAD database. The observed variant frequency within African or African-American control individuals in the gnomAD database exceeds the estimated maximal expected allele frequency for disease-causing variants in EPG5. To our knowledge, no occurrence of c.2998A>G in individuals affected with EPG5-related conditions and no experimental evidence demonstrating its impact on protein function have been reported. ClinVar contains an entry for this variant (Variation ID: 534607). Based on the evidence outlined above, the variant was classified as likely benign.

Blueprint Genetics
Classification: Likely benign. Last evaluated: 2024-11-28. Review status: criteria provided, single submitter. Criteria: ACMG Guidelines, 2015. Collection method: clinical testing. Allele origin: germline.

PreventionGenetics, part of Exact Sciences
Classification: Benign for EPG5-related condition. Last evaluated: 2024-10-03. Review status: criteria provided, single submitter. Criteria: ACMG Guidelines, 2015. Collection method: clinical testing. Allele origin: germline.
Comment: This variant is classified as benign based on ACMG/AMP sequence variant interpretation guidelines (Richards et al. 2015 PMID: 25741868, with internal and published modifications).

Ambry Genetics
Classification: Likely benign for Inborn genetic diseases. Last evaluated: 2023-12-12. Review status: criteria provided, single submitter. Criteria: Ambry Variant Classification Scheme 2023. Collection method: clinical testing. Allele origin: germline.

Revvity Omics, Revvity
Classification: Uncertain significance for Vici syndrome. Last evaluated: 2022-05-10. Review status: criteria provided, single submitter. Criteria: ACMG Guidelines, 2015. Collection method: clinical testing. Allele origin: germline.

GeneDx
Classification: Likely benign. Last evaluated: 2021-06-22. Review status: criteria provided, single submitter. Criteria: GeneDx Variant Classification Process June 2021. Collection method: clinical testing. Allele origin: germline. Affected: yes.

Center for Genomics, Ann and Robert H. Lurie Children's Hospital of Chicago
Classification: Uncertain significance for Vici syndrome. Last evaluated: 2021-03-30. Review status: criteria provided, single submitter. Criteria: ACMG Guidelines, 2015. Collection method: clinical testing. Allele origin: germline.
Comment: EPG5 NM_020964 exon 16 p.Met1000Val (c.2998A>G): This variant has not been reported in the literature but is present in 0.8% (190/24024) of African alleles in the Genome Aggregation Database. Evolutionary conservation and computational predictive tools for this variant are unclear. In summary, data on this variant is insufficient for disease classification. Therefore, the clinical significance of this variant is uncertain.

Cambridge Genomics Laboratory, East Genomic Laboratory Hub, NHS Genomic Medicine Service
Classification: Benign for Intellectual disability. Last evaluated: 2020-02-11. Review status: criteria provided, single submitter. Criteria: ACGS Best Practice Guidelines for Variant Classification in Rare Disease 2020. Collection method: clinical testing. Allele origin: germline. Affected: yes. Observed: 1 variant allele.

Eurofins Ntd Llc (ga)
Classification: Likely benign. Last evaluated: 2018-01-24. Review status: criteria provided, single submitter. Criteria: EGL Classification Definitions 2015. Collection method: clinical testing. Allele origin: germline. Observed: 1 variant allele, 1 homozygote.

NM_020964.3(EPG5):c.2998A>G (p.Met1000Val)

Gene: EPG5 (ectopic P-granules 5 autophagy tethering factor; minus strand). Cytogenetic location: 18q21.1.
Variant type: single nucleotide variant.
Coding change: c.2998A>G on transcript NM_020964.3 (MANE Select); coding-DNA position 2998, A replaced by G.
Protein change: p.Met1000Val; replaces methionine 1000 with valine.
Molecular consequence: missense variant.
Genome position (GRCh38, 1-based): chr18:45,922,441, T>C on the plus strand (A>G on the coding strand, the complement: EPG5 is on the minus strand). VCF-style: chr18-45922441-T-C. GRCh37 (hg19) VCF-style: chr18-43502407-T-C.
Other names: c.2998A>G, p.Met1000Val (LRG_1234t1); short protein forms M1000V.
Identifiers: ClinVar variation 534607 (VCV000534607.32), dbSNP rs144334723, ClinGen allele CA8949288.
Genomic context (GRCh38, chr18:45,922,441, plus strand): 5'-CAATGGGCATGCCCGCTTTCACAGCCTTCAAGAGAGGATGAAACGTGGGTGACTCTGTCA[T>C]GTCAGGCACAGTGACGGAGAAGGGAACAGCTGGACAATTCGGCTGTATTCCATAATCGTT-3'
Protein context (NP_066015.2, residues 990-1010): AVPFSVTVPD[Met1000Val]TESPTFHPLL